The following is an entry in ClinVar:

ClinVar aggregate classification (germline): Uncertain significance. Review status: criteria provided, multiple submitters, no conflicts (2 of 4 stars). 2 submissions from 2 submitters: Uncertain significance (2). Last evaluated 2023-12-28.

Conditions:
Tuberous sclerosis 2 (TSC2). Identifiers: Orphanet 805, MedGen C1860707, MONDO:0013199, OMIM 613254.
Isolated focal cortical dysplasia type II (FCORD2). Also called: Focal cortical dysplasia type II; CORTICAL DYSPLASIA OF TAYLOR. Identifiers: Orphanet 268994, MedGen C1846385, MONDO:0011818, OMIM 607341, HP:0032051.
Lymphangiomyomatosis (LAM). Also called: Lymphangioleiomyomatosis, somatic; Lymphangioleiomyomatosis. Identifiers: Orphanet 538, MedGen C0751674, MONDO:0011705, OMIM 606690.

Submissions (2):

Fulgent Genetics
Classification: Uncertain significance for Lymphangiomyomatosis; Isolated focal cortical dysplasia type II; Tuberous sclerosis 2. Last evaluated: 2023-12-28. Review status: criteria provided, single submitter. Criteria: ACMG Guidelines, 2015. Collection method: clinical testing. Allele origin: germline.

Labcorp Genetics (formerly Invitae), Labcorp
Classification: Uncertain significance for Tuberous sclerosis 2. Last evaluated: 2022-04-07. Review status: criteria provided, single submitter. Criteria: Invitae Variant Classification Sherloc (09022015). Collection method: clinical testing. Allele origin: germline.
Comment: In summary, the available evidence is currently insufficient to determine the role of this variant in disease. Therefore, it has been classified as a Variant of Uncertain Significance. Variants that disrupt the consensus splice site are a relatively common cause of aberrant splicing (PMID: 17576681, 9536098). Algorithms developed to predict the effect of sequence changes on RNA splicing suggest that this variant is not likely to affect RNA splicing. This variant has not been reported in the literature in individuals affected with TSC2-related conditions. This variant is not present in population databases (gnomAD no frequency). This sequence change falls in intron 9 of the TSC2 gene. It does not directly change the encoded amino acid sequence of the TSC2 protein. It affects a nucleotide within the consensus splice site.

Literature cited by the submitters: PubMed 17576681 (cited by Labcorp Genetics (formerly Invitae), Labcorp); PubMed 9536098 (cited by Labcorp Genetics (formerly Invitae), Labcorp).

NM_000548.5(TSC2):c.848+6T>C

Gene: TSC2 (TSC complex subunit 2; plus strand). Cytogenetic location: 16p13.3.
Variant type: single nucleotide variant.
Coding change: c.848+6T>C on transcript NM_000548.5 (MANE Select); 6 bases into the intron after coding-DNA position 848, T replaced by C.
Molecular consequence: intron variant.
Genome position (GRCh38, 1-based): chr16:2,057,184, T>C. VCF-style: chr16-2057184-T-C. GRCh37 (hg19) VCF-style: chr16-2107185-T-C.
Other names: c.848+6T>C (NM_001114382.3, NM_021055.3, NM_001370405.1 and 3 more transcripts); c.737+6T>C (NM_001318827.2); c.248+6T>C (NM_001318831.2); c.701+6T>C (NM_001318829.2); c.881+6T>C (NM_001318832.2).
Identifiers: ClinVar variation 1970874 (VCV001970874.6), dbSNP rs2548474698, ClinGen allele CA2580090624.
Genomic context (GRCh38, chr16:2,057,184, plus strand): 5'-GCACCCACCTGGGCCACAGCGCCATCTACAACATGTGCCACCTCATGGAGGACAGGTGAG[T>C]GTGGTGGGTGGGGCGCAGGGCAGTGGAGGCCAGCACAGCCCTCGGGGCAGCTCCAGTGTC-3'